The following is an entry in ClinVar:

NM_000104.4(CYP1B1):c.568T>C (p.Phe190Leu)

Gene: CYP1B1 (cytochrome P450 family 1 subfamily B member 1; minus strand). Cytogenetic location: 2p22.2.
Variant type: single nucleotide variant.
Coding change: c.568T>C on transcript NM_000104.4 (MANE Select); coding-DNA position 568, T replaced by C.
Protein change: p.Phe190Leu; replaces phenylalanine 190 with leucine.
Molecular consequence: missense variant.
Genome position (GRCh38, 1-based): chr2:38,074,821, A>G on the plus strand (T>C on the coding strand, the complement: CYP1B1 is on the minus strand). VCF-style: chr2-38074821-A-G. GRCh37 (hg19) VCF-style: chr2-38301964-A-G.
Other names: short protein forms F190L.
Identifiers: ClinVar variation 3629649 (VCV003629649.1).
Genomic context (GRCh38, chr2:38,074,821, plus strand): 5'-AACACACGGCACTCATGACGTTGGCCACGGCCACGACGGTCAGCGGCCTCGGGTCGAGGA[A>G]GGCGCCGTCCGCGCTGCCGCGCACCAGCAGCGCCACCAGCTCGCGCGCCTCGCTCAGCAC-3'
Protein context (NP_000095.2, residues 180-200): LLVRGSADGA[Phe190Leu]LDPRPLTVVA

ClinVar aggregate classification (germline): Uncertain significance (1 of 4 stars; one submission).

gnomAD v4.1: 2 of 1,571,440 alleles (0.00013%); highest among the groups gnomAD compares: Non-Finnish European, 0.00017%; no homozygotes.

Submission:

Women's Health and Genetics/Laboratory Corporation of America, LabCorp
Classification: Uncertain significance. Last evaluated: 2024-11-13. Review status: criteria provided, single submitter. Criteria: LabCorp Variant Classification Summary - May 2015. Collection method: clinical testing. Allele origin: germline.
Comment: Variant summary: CYP1B1 c.568T>C (p.Phe190Leu) results in a non-conservative amino acid change in the encoded protein sequence. Four of five in-silico tools predict a benign effect of the variant on protein function. The frequency data for this variant in gnomAD is considered unreliable, as metrics indicate poor data quality at this position. c.568T>C has been reported in the literature in heterozygous state in an individual affected with Primary Congenital Glaucoma (PCG) (Weisschuh_2009), in addition, a different variant resulting in the same missense change (c.570C>A, p.F190L) was also reported in homozygous state in a patient affected with PCG, however this individual also carried another homozygous missense variant (Tanwar_2009, Tanwar_2010). These reports do not provide unequivocal conclusions about association of the variant with Primary Congenital Glaucoma. To our knowledge, no experimental evidence demonstrating an impact on protein function has been reported. The following publications have been ascertained in the context of this evaluation (PMID: 19195637, 19536304, 21031026). No submitters have cited clinical-significance assessments for this variant to ClinVar. Based on the evidence outlined above, the variant was classified as uncertain significance.

Literature cited by the submitters: PubMed 19536304; PubMed 19195637; PubMed 21031026.